The following is an entry in ClinVar:

NM_000171.4(GLRA1):c.198C>T (p.Asn66=)

Gene: GLRA1 (glycine receptor alpha 1; minus strand). Cytogenetic location: 5q33.1.
Variant type: single nucleotide variant.
Coding change: c.198C>T on transcript NM_000171.4 (MANE Select); coding-DNA position 198, C replaced by T.
Protein change: p.Asn66=; no amino-acid change (asparagine 66 retained).
Molecular consequence: synonymous variant. On other transcripts: 5 prime UTR variant (1).
Genome position (GRCh38, 1-based): chr5:151,886,775, G>A on the plus strand (C>T on the coding strand, the complement: GLRA1 is on the minus strand). VCF-style: chr5-151886775-G-A. GRCh37 (hg19) VCF-style: chr5-151266336-G-A.
Other names: c.198C>T, p.Asn66= (NM_001146040.2); c.-52C>T (NM_001292000.2).
Identifiers: ClinVar variation 352320 (VCV000352320.15), dbSNP rs200606738, ClinGen allele CA3523744.

ClinVar aggregate classification (germline): Likely benign. Review status: criteria provided, multiple submitters, no conflicts (2 of 4 stars). 2 submissions from 2 submitters: Likely benign (2). Last evaluated 2024-02-26.

Conditions:
Hereditary hyperekplexia. Identifiers: Orphanet 3197, MedGen C4084968, MONDO:0021022.
Hyperekplexia 1 (STHE). Also called: HYPEREKPLEXIA 1, AUTOSOMAL DOMINANT; HYPEREKPLEXIA 1, AUTOSOMAL RECESSIVE; EXAGGERATED STARTLE REACTION; KOK DISEASE; STARTLE DISEASE, FAMILIAL; STIFF-BABY SYNDROME. Identifiers: Orphanet 3197, MedGen C4551954, MONDO:0007868, OMIM 149400.

Allele frequency attached by ClinVar (database versions not stated): ExAC 0.00003; gnomAD 0.00003 and 0.00004; gnomAD exomes 0.00004; TOPMed 0.00004; 1000 Genomes Project 30x 0.00016; 1000 Genomes Project 0.00020.
gnomAD v4.1: 81 of 1,612,630 alleles (0.005%); highest among the groups gnomAD compares: East Asian, 0.029%; no homozygotes.

Submissions (2):

Labcorp Genetics (formerly Invitae), Labcorp
Classification: Likely benign for Hereditary hyperekplexia. Last evaluated: 2024-02-26. Review status: criteria provided, single submitter. Criteria: Invitae Variant Classification Sherloc (09022015). Collection method: clinical testing. Allele origin: germline.

Illumina Laboratory Services, Illumina
Classification: Likely benign for Hyperekplexia 1. Last evaluated: 2018-01-13. Review status: criteria provided, single submitter. Criteria: ICSL Variant Classification Criteria 13 December 2019. Collection method: clinical testing. Allele origin: germline.
Comment: This variant was observed in the ICSL laboratory as part of a predisposition screen in an ostensibly healthy population. It had not been previously curated by ICSL or reported in the Human Gene Mutation Database (HGMD: prior to June 1st, 2018), and was therefore a candidate for classification through an automated scoring system. Utilizing variant allele frequency, disease prevalence and penetrance estimates, and inheritance mode, an automated score was calculated to assess if this variant is too frequent to cause the disease. Based on the score and internal cut-off values, a variant classified as likely benign is not then subjected to further curation. The score for this variant resulted in a classification of likely benign for this disease.